The following is an entry in ClinVar:

ClinVar aggregate classification (germline): Uncertain significance (1 of 4 stars; one submission).

Conditions:
DMD-related muscular dystrophy. Identifiers: MedGen CN379372, MONDO:0700285.

Submission:

Victorian Clinical Genetics Services, Murdoch Childrens Research Institute
Classification: Uncertain significance for DMD-related muscular dystrophy. Last evaluated: 2026-03-17. Review status: criteria provided, single submitter. Criteria: ACMG Guidelines, 2015. Collection method: clinical testing. Allele origin: germline. Affected: yes.
Comment: This variant is classified as VUS-3B. Evidence in support of pathogenic classification: Non-canonical splice site variant without proven consequence on splicing (no functional evidence available); Variant is absent from gnomAD (v2, v3 and v4). Evidence in support of benign classification: Abnormal splicing is not predicted and nucleotide is poorly conserved. Additional information: This variant is heterozygous; This gene is associated with X-linked disease; This variant has no previous evidence of pathogenicity; No published evidence of segregation with disease has been identified for this variant; No published functional evidence has been identified for this variant; No comparable splice site variants have previous evidence for pathogenicity; Loss of function is a known mechanism of disease in this gene and is associated with DMD-related muscular dystrophy (MONDO:0700285); Inheritance information for this variant is not currently available in this individual.

NM_004006.3(DMD):c.9157_9163+7dup

Gene: DMD (dystrophin; minus strand). Cytogenetic location: Xp21.2.
Variant type: Duplication.
Coding change: c.9157_9163+7dup on transcript NM_004006.3 (MANE Select); coding-DNA position 9157 through 7 bases into the intron after coding-DNA position 9163, 14 bases duplicated (CTTTCCAGTAAGTC).
Molecular consequence: splice donor variant.
Genome position (GRCh38, 1-based): chrX:31,348,549-31,348,562, GACTTACTGGAAAG duplicated on the plus strand (CTTTCCAGTAAGTC on the coding strand, the reverse complement: DMD is on the minus strand). VCF-style (leftmost placement, unchanged base first): chrX-31348548-T-TGACTTACTGGAAAG. GRCh37 (hg19) VCF-style: chrX-31366665-T-TGACTTACTGGAAAG.
Other names: c.9133_9139+7dup (NM_000109.4); c.5134_5140+7dup (NM_004011.4); c.5125_5131+7dup (NM_004012.4); c.1777_1783+7dup (NM_004023.3, NM_004020.4, NM_004022.3 and 2 more transcripts); c.970_976+7dup (NM_004014.3); c.9145_9151+7dup (NM_004009.3); c.8788_8794+7dup (NM_004010.3).
Identifiers: ClinVar variation 4879826 (VCV004879826.1).